The following is an entry in ClinVar:

ClinVar aggregate classification (germline): Uncertain significance (1 of 4 stars; one submission).

Conditions:
Baller-Gerold syndrome (BGS). Also called: CRANIOSYNOSTOSIS WITH RADIAL DEFECTS. Identifiers: Orphanet 1225, MedGen C0265308, MONDO:0009039, OMIM 218600.

Allele frequency attached by ClinVar (database versions not stated): gnomAD exomes below 0.00001.
gnomAD v4.1: 1 of 1,610,450 alleles (0.000062%); highest among the groups gnomAD compares: Non-Finnish European, 0.000085%; no homozygotes.

Submission:

Labcorp Genetics (formerly Invitae), Labcorp
Classification: Uncertain significance for Baller-Gerold syndrome. Last evaluated: 2022-07-25. Review status: criteria provided, single submitter. Criteria: Invitae Variant Classification Sherloc (09022015). Collection method: clinical testing. Allele origin: germline.
Comment: In summary, the available evidence is currently insufficient to determine the role of this variant in disease. Therefore, it has been classified as a Variant of Uncertain Significance. Variants that disrupt the consensus splice site are a relatively common cause of aberrant splicing (PMID: 17576681, 9536098). Experimental studies and prediction algorithms are not available or were not evaluated, and the effect of this variant on mRNA splicing is currently unknown. ClinVar contains an entry for this variant (Variation ID: 1429907). This variant has not been reported in the literature in individuals affected with RECQL4-related conditions. This variant is not present in population databases (gnomAD no frequency). This sequence change falls in intron 13 of the RECQL4 gene. It does not directly change the encoded amino acid sequence of the RECQL4 protein. It affects a nucleotide within the consensus splice site.

Literature cited by the submitters: PubMed 17576681; PubMed 9536098.

NM_004260.4(RECQL4):c.2200+6G>C

Gene: RECQL4 (RecQ like helicase 4; minus strand). Cytogenetic location: 8q24.3.
Variant type: single nucleotide variant.
Coding change: c.2200+6G>C on transcript NM_004260.4 (MANE Select); 6 bases into the intron after coding-DNA position 2200, G replaced by C.
Molecular consequence: intron variant.
Genome position (GRCh38, 1-based): chr8:144,513,565, C>G on the plus strand (G>C on the coding strand, the complement: RECQL4 is on the minus strand). VCF-style: chr8-144513565-C-G. GRCh37 (hg19) VCF-style: chr8-145738949-C-G.
Identifiers: ClinVar variation 1429907 (VCV001429907.6), dbSNP rs2130682284, ClinGen allele CA2573143081.
Genomic context (GRCh38, chr8:144,513,565, plus strand): 5'-CAGTGGGATGGGACCATGTGTGCCCAAGGTGGGTCCACGGGGACACCAGCTCTGTCCATG[C>G]CGCACCTCCAGACCCTGGGACCCAGGCTGCGTGCAGGCAGGTTCGGAGGAGCGCAGCGAT-3'